The following is an entry in ClinVar:

ClinVar aggregate classification (germline): Conflicting classifications of pathogenicity. Review status: criteria provided, conflicting classifications (1 of 4 stars). 4 submissions from 4 submitters: Uncertain significance (1); Benign (1); Likely benign (2). Last evaluated 2025-11-13.

Conditions:
Tuberous sclerosis 2 (TSC2). Identifiers: Orphanet 805, MedGen C1860707, MONDO:0013199, OMIM 613254.
Hereditary cancer-predisposing syndrome. Also called: Hereditary neoplastic syndrome; Tumor predisposition; Neoplastic Syndromes, Hereditary; Hereditary Cancer Syndrome. Identifiers: Orphanet 140162, MedGen C0027672, MeSH D009386, MONDO:0015356.

Allele frequency attached by ClinVar (database versions not stated): gnomAD exomes below 0.00001 and 0.00001; ExAC 0.00002.
gnomAD v4.1: 2 of 1,612,918 alleles (0.00012%); highest among the groups gnomAD compares: East Asian, 0.0022%; no homozygotes.

Submissions (4):

Labcorp Genetics (formerly Invitae), Labcorp
Classification: Likely benign for Tuberous sclerosis 2. Last evaluated: 2025-11-13. Review status: criteria provided, single submitter. Criteria: Invitae Variant Classification Sherloc (09022015). Collection method: clinical testing. Allele origin: germline.

Myriad Genetics, Inc.
Classification: Benign for Tuberous sclerosis 2. Last evaluated: 2025-06-06. Review status: criteria provided, single submitter. Criteria: Myriad Autosomal Dominant, Autosomal Recessive and X-Linked Classification Criteria (2023). Collection method: clinical testing. Allele origin: unknown.
Comment: This variant is considered benign. This variant is a silent/synonymous amino acid change and it is not expected to impact splicing.

GeneDx
Classification: Uncertain significance. Last evaluated: 2024-01-22. Review status: criteria provided, single submitter. Criteria: GeneDx Variant Classification Process June 2021. Collection method: clinical testing. Allele origin: germline. Affected: yes.
Comment: In silico analysis suggests this variant may impact gene splicing. In the absence of RNA/functional studies, the actual effect of this sequence change is unknown.; Has not been previously published as pathogenic or benign to our knowledge

Ambry Genetics
Classification: Likely benign for Hereditary cancer-predisposing syndrome. Last evaluated: 2023-09-19. Review status: criteria provided, single submitter. Criteria: Ambry Variant Classification Scheme 2023. Collection method: clinical testing. Allele origin: germline.

NM_000548.5(TSC2):c.5283C>T (p.Ser1761=)

Gene: TSC2 (TSC complex subunit 2; plus strand). Cytogenetic location: 16p13.3.
Variant type: single nucleotide variant.
Coding change: c.5283C>T on transcript NM_000548.5 (MANE Select); coding-DNA position 5283, C replaced by T.
Protein change: p.Ser1761=; no amino-acid change (serine 1761 retained).
Molecular consequence: synonymous variant.
Genome position (GRCh38, 1-based): chr16:2,088,469, C>T. VCF-style: chr16-2088469-C-T. GRCh37 (hg19) VCF-style: chr16-2138470-C-T.
Other names: c.5283C>T (NM_000548.3); c.5214C>T, p.Ser1738= (NM_001114382.3); c.4974C>T, p.Ser1658= (NM_001318827.2); c.5082C>T, p.Ser1694= (NM_001077183.3); c.4938C>T, p.Ser1646= (NM_001318829.2); c.4551C>T, p.Ser1517= (NM_001318831.2); c.5115C>T, p.Ser1705= (NM_001318832.2); c.5085C>T, p.Ser1695= (NM_001363528.2); and 3 more.
Identifiers: ClinVar variation 1144260 (VCV001144260.12), dbSNP rs747002312, ClinGen allele CA054945.